The following is an entry in ClinVar:

GRCh37/hg19 21q22.11-22.3(chr21:32634806-43353470)x1

Genes: ATP5PO (ATP synthase peripheral stalk subunit OSCP; minus strand), B3GALT5 (beta-1,3-galactosyltransferase 5; plus strand), BACE2 (beta-secretase 2; plus strand), BRWD1 (bromodomain and WD repeat domain containing 1; minus strand), C2CD2 (C2 calcium dependent domain containing 2; minus strand) and 70 more. Cytogenetic location: 21q22.11-22.3.
Variant type: copy number loss.
Change: copy number 1 (one copy instead of two) of chr21:32,634,806-43,353,470 (10.72 Mb, GRCh37 coordinates, 1-based), cytogenetic band 21q22.11-22.3.
Identifiers: ClinVar variation 4682977 (VCV004682977.1).

ClinVar aggregate classification (germline): Pathogenic (1 of 4 stars; one submission).

Submission:

Quest Diagnostics Nichols Institute San Juan Capistrano
Classification: Pathogenic. Last evaluated: 2025-04-17. Review status: criteria provided, single submitter. Criteria: ACMG/ClinGen CNV Guidelines, 2019. Collection method: clinical testing. Allele origin: unknown.
Comment: This deletion involves at least 75 protein-coding genes. Deletions contained within 21q22.11q22.3 have been identified in individuals with various phenotypic features (Braddock 2016, Dinh 2020, Fujita 2010, Ji 2015, Kim 2016). There are no similar copy number losses of this region in the general populations of the Database of Genomic Variants. Thus, based on current medical literature, this copy number variant (CNV) is classified as pathogenic. References: Braddock et al., Am J Med Genet A. 2016 Oct;170(10):2580-6. PMID: 27549381 Dinh et al., Am J Med Genet A. 2020 Dec;182(12):3060-3063. PMID: 32946178 Fujita et al., Am J Med Genet A. 2010 Apr;152A(4):950-3. PMID: 20358607 Ji et al., Eur J Hum Genet. 2015 Nov;23(11):1473-81. PMID: 25944381 Kim et al., Am J Hum Genet. 2016 Sep 1;99(3):711-719. PMID: 27545680